The following is an entry in ClinVar:

NM_001035.3(RYR2):c.14192T>C (p.Leu4731Pro)

Gene: RYR2 (ryanodine receptor 2; plus strand). Cytogenetic location: 1q43.
Variant type: single nucleotide variant.
Coding change: c.14192T>C on transcript NM_001035.3 (MANE Select); coding-DNA position 14192, T replaced by C.
Protein change: p.Leu4731Pro; replaces leucine 4731 with proline.
Molecular consequence: missense variant.
Genome position (GRCh38, 1-based): chr1:237,806,177, T>C. VCF-style: chr1-237806177-T-C. GRCh37 (hg19) VCF-style: chr1-237969477-T-C.
Other names: short protein forms L4731P.
Identifiers: ClinVar variation 2568279 (VCV002568279.3), dbSNP rs2528137281, ClinGen allele CA345422808.
Genomic context (GRCh38, chr1:237,806,177, plus strand): 5'-CCCCCGTTTTGTCTTAATAGTCCTTCCTCTACCTAGCCTGGTATATGACTATGTCTGTTC[T>C]TGGACACTATAACAACTTTTTTTTTGCCGCTCACCTTCTCGACATTGCTATGGGATTCAA-3'
Protein context (NP_001026.2, residues 4721-4741): YLAWYMTMSV[Leu4731Pro]GHYNNFFFAA

ClinVar aggregate classification (germline): Uncertain significance (1 of 4 stars; one submission).

Conditions:
Cardiovascular phenotype. Identifiers: MedGen CN230736.

Submission:

Ambry Genetics
Classification: Uncertain significance for Cardiovascular phenotype. Last evaluated: 2023-06-15. Review status: criteria provided, single submitter. Criteria: Ambry Variant Classification Scheme 2023. Collection method: clinical testing. Allele origin: germline.
Comment: The p.L4731P variant (also known as c.14192T>C), located in coding exon 99 of the RYR2 gene, results from a T to C substitution at nucleotide position 14192. The leucine at codon 4731 is replaced by proline, an amino acid with similar properties. This amino acid position is highly conserved in available vertebrate species. In addition, this alteration is predicted to be deleterious by in silico analysis. Since supporting evidence is limited at this time, the clinical significance of this alteration remains unclear.